The following is an entry in ClinVar:

NM_024496.4(IRF2BPL):c.202_272del (p.Arg68fs)

Genes: IRF2BPL (interferon regulatory factor 2 binding protein like; minus strand), LOC107984638 (uncharacterized LOC107984638; plus strand). Cytogenetic location: 14q24.3.
Variant type: Deletion.
Coding change: c.202_272del on transcript NM_024496.4 (MANE Select); coding-DNA positions 202 to 272, 71 bases deleted.
Protein change: p.Arg68fs; shifts the reading frame from arginine 68.
Molecular consequence: frameshift variant. On other transcripts: non-coding transcript variant (3).
Genome position (GRCh38, 1-based): chr14:77,027,521-77,027,591, 71 bases deleted. GRCh37 (hg19): chr14:77,493,868-77,493,938.
Other names: short protein forms R68fs.
Identifiers: ClinVar variation 3342265 (VCV003342265.1).

ClinVar aggregate classification (germline): Likely pathogenic (1 of 4 stars; one submission).

Conditions:
Neurodevelopmental disorder with regression, abnormal movements, loss of speech, and seizures. Identifiers: Orphanet 597623, MedGen C4748127, MONDO:0060759, OMIM 618088.

Submission:

MVZ Medizinische Genetik Mainz
Classification: Likely pathogenic for Neurodevelopmental disorder with regression, abnormal movements, loss of speech, and seizures. Last evaluated: 2024-09-02. Review status: criteria provided, single submitter. Criteria: UK Practice Guidelines For Variant Classification V4 01 2020. Collection method: clinical testing. Allele origin: germline. Inheritance: Autosomal dominant inheritance. Affected: yes. Observed: 1 variant allele.
Comment: ACMG Criteria: PVS1_STR,PM2_SUP